The following is an entry in ClinVar:

ClinVar aggregate classification (germline): Conflicting classifications of pathogenicity. Review status: criteria provided, conflicting classifications (1 of 4 stars). 3 submissions from 3 submitters: Likely pathogenic (2); Uncertain significance (1). Last evaluated 2026-03-18.

Conditions:
PKD1-related disorder. Also called: PKD1-related condition.

Submissions (3):

Women's Health and Genetics/Laboratory Corporation of America, LabCorp
Classification: Uncertain significance. Last evaluated: 2026-03-18. Review status: criteria provided, single submitter. Criteria: LabCorp Variant Classification Summary - May 2015. Collection method: clinical testing. Allele origin: germline.
Comment: Variant summary: PKD1 c.8978T>C (p.Leu2993Pro) results in a non-conservative amino acid change in the encoded protein sequence. Algorithms developed to predict the effect of missense changes on protein structure and function are either unavailable or do not agree on the potential impact of this missense change. The variant was absent in 244274 control chromosomes. The available data on variant occurrences in the general population are insufficient to allow any conclusion about variant significance. c.8978T>C has been observed in an individual affected with Polycystic Kidney Disease 1 (Peral_1997). These data do not allow any conclusion about variant significance. To our knowledge, no experimental evidence demonstrating an impact on protein function has been reported. The following publication have been ascertained in the context of this evaluation (PMID: 9199561). ClinVar contains an entry for this variant (Variation ID: 448023). Based on the evidence outlined above, the variant was classified as uncertain significance.

Blueprint Genetics
Classification: Likely pathogenic for PKD1-related disorders. Last evaluated: 2021-12-21. Review status: criteria provided, single submitter. Criteria: ACMG Guidelines, 2015. Collection method: clinical testing. Allele origin: germline. Affected: yes. Observed: 1 variant allele.

Athena Diagnostics
Classification: Likely pathogenic. Last evaluated: 2017-05-12. Review status: criteria provided, single submitter. Criteria: Athena Diagnostics Criteria. Collection method: clinical testing. Allele origin: germline.

Literature cited by the submitters: PubMed 9199561 (cited by Women's Health and Genetics/Laboratory Corporation of America, LabCorp and Athena Diagnostics); PubMed 10854095 (cited by Athena Diagnostics); PubMed 12482949 (cited by Athena Diagnostics).

NM_001009944.3(PKD1):c.8978T>C (p.Leu2993Pro)

Gene: PKD1 (polycystin 1, transient receptor potential channel interacting; minus strand). Cytogenetic location: 16p13.3.
Variant type: single nucleotide variant.
Coding change: c.8978T>C on transcript NM_001009944.3 (MANE Select); coding-DNA position 8978, T replaced by C.
Protein change: p.Leu2993Pro; replaces leucine 2993 with proline.
Molecular consequence: missense variant.
Genome position (GRCh38, 1-based): chr16:2,102,604, A>G on the plus strand (T>C on the coding strand, the complement: PKD1 is on the minus strand). VCF-style: chr16-2102604-A-G. GRCh37 (hg19) VCF-style: chr16-2152605-A-G.
Other names: c.8978T>C, p.Leu2993Pro (NM_000296.4); short protein forms L2993P.
Identifiers: ClinVar variation 448023 (VCV000448023.3), dbSNP rs1555450487, ClinGen allele CA394361091.